The following is an entry in ClinVar:

NM_006005.3(WFS1):c.1100A>G (p.Asp367Gly)

Gene: WFS1 (wolframin ER transmembrane glycoprotein; plus strand). Cytogenetic location: 4p16.1.
Variant type: single nucleotide variant.
Coding change: c.1100A>G on transcript NM_006005.3 (MANE Select); coding-DNA position 1100, A replaced by G.
Protein change: p.Asp367Gly; replaces aspartic acid 367 with glycine.
Molecular consequence: missense variant.
Genome position (GRCh38, 1-based): chr4:6,300,895, A>G. VCF-style: chr4-6300895-A-G. GRCh37 (hg19) VCF-style: chr4-6302622-A-G.
Other names: c.1100A>G, p.Asp367Gly (NM_001145853.1); short protein forms D367G.
Identifiers: ClinVar variation 1315666 (VCV001315666.10), dbSNP rs771498413, ClinGen allele CA2839218.

ClinVar aggregate classification (germline): Uncertain significance. Review status: criteria provided, multiple submitters, no conflicts (2 of 4 stars). 4 submissions from 4 submitters: Uncertain significance (4). Last evaluated 2025-06-16.

Conditions:
Inborn genetic diseases. Identifiers: MedGen C0950123, MeSH D030342.
Autosomal dominant nonsyndromic hearing loss 6 (LFSNHL). Also called: Autosomal dominant nonsyndromic deafness 6; DEAFNESS, AUTOSOMAL DOMINANT 6; DEAFNESS, AUTOSOMAL DOMINANT 14; DEAFNESS, AUTOSOMAL DOMINANT 38. Identifiers: Orphanet 90635, MedGen C1833021, MONDO:0010963, OMIM 600965.
Type 2 diabetes mellitus. Also called: Type II diabetes mellitus. Identifiers: MedGen C0011860, MeSH D003924, MONDO:0005148, OMIM 125853, HP:0005978.
Wolfram-like syndrome. Also called: HEARING LOSS, PROGRESSIVE, WITH OPTIC ATROPHY AND/OR IMPAIRED GLUCOSE REGULATION. Identifiers: Orphanet 411590, MedGen C3280358, MONDO:0013673, OMIM 614296.
Cataract 41 (CTRCT41). Also called: CATARACT 41, CONGENITAL NUCLEAR TYPE. Identifiers: Orphanet 91492, Orphanet 98991, Orphanet 98992, Orphanet 98995, MedGen C3805412, MONDO:0007287, OMIM 116400.
Wolfram syndrome 1 (WFS1). Identifiers: Orphanet 3463, MedGen C4551693, MONDO:0009101, OMIM 222300.

Allele frequency attached by ClinVar (database versions not stated): gnomAD exomes 0.00001; TOPMed 0.00001; ExAC 0.00002.
gnomAD v4.1: 15 of 1,614,090 alleles (0.00093%); highest among the groups gnomAD compares: Non-Finnish European, 0.0013%; no homozygotes.

Submissions (4):

Ambry Genetics
Classification: Uncertain significance for Inborn genetic diseases. Last evaluated: 2025-06-16. Review status: criteria provided, single submitter. Criteria: Ambry Variant Classification Scheme 2023. Collection method: clinical testing. Allele origin: germline.

Labcorp Genetics (formerly Invitae), Labcorp
Classification: Uncertain significance. Last evaluated: 2024-11-18. Review status: criteria provided, single submitter. Criteria: Invitae Variant Classification Sherloc (09022015). Collection method: clinical testing. Allele origin: germline.
Comment: This sequence change replaces aspartic acid, which is acidic and polar, with glycine, which is neutral and non-polar, at codon 367 of the WFS1 protein (p.Asp367Gly). This variant is present in population databases (rs771498413, gnomAD 0.003%). This variant has not been reported in the literature in individuals affected with WFS1-related conditions. ClinVar contains an entry for this variant (Variation ID: 1315666). Invitae Evidence Modeling of protein sequence and biophysical properties (such as structural, functional, and spatial information, amino acid conservation, physicochemical variation, residue mobility, and thermodynamic stability) indicates that this missense variant is not expected to disrupt WFS1 protein function with a negative predictive value of 95%. In summary, the available evidence is currently insufficient to determine the role of this variant in disease. Therefore, it has been classified as a Variant of Uncertain Significance.

Fulgent Genetics
Classification: Uncertain significance for Cataract 41; Type 2 diabetes mellitus; Wolfram syndrome 1; Autosomal dominant nonsyndromic hearing loss 6; Wolfram-like syndrome. Last evaluated: 2022-02-04. Review status: criteria provided, single submitter. Criteria: ACMG Guidelines, 2015. Collection method: clinical testing. Allele origin: unknown.

GeneDx
Classification: Uncertain significance. Last evaluated: 2019-05-22. Review status: criteria provided, single submitter. Criteria: GeneDx Variant Classification Process June 2021. Collection method: clinical testing. Allele origin: germline. Affected: yes.
Comment: Has not been previously published as pathogenic or benign to our knowledge; In silico analysis, which includes protein predictors and evolutionary conservation, supports that this variant does not alter protein structure/function; Not observed at a significant frequency in large population cohorts (Lek et al., 2016)